The following is an entry in ClinVar:

NM_001184.4(ATR):c.2468C>G (p.Ala823Gly)

Gene: ATR (ATR serine/threonine kinase; minus strand). Cytogenetic location: 3q23.
Variant type: single nucleotide variant.
Coding change: c.2468C>G on transcript NM_001184.4 (MANE Select); coding-DNA position 2468, C replaced by G.
Protein change: p.Ala823Gly; replaces alanine 823 with glycine.
Molecular consequence: missense variant.
Genome position (GRCh38, 1-based): chr3:142,553,889, G>C on the plus strand (C>G on the coding strand, the complement: ATR is on the minus strand). VCF-style: chr3-142553889-G-C. GRCh37 (hg19) VCF-style: chr3-142272731-G-C.
Other names: c.2276C>G, p.Ala759Gly (NM_001354579.2); short protein forms A759G, A823G.
Identifiers: ClinVar variation 3460948 (VCV003460948.1).
Genomic context (GRCh38, chr3:142,553,889, plus strand): 5'-TTTATAAATCCATCTTCAGAGTCCAAGGATTCCAATATGTGCTTGATATTTCCACTAAAA[G>C]CCACTCTAACATCTTTGTCTGGATCTTCCATTAAATTTAATAAAGTTCCAAGAACTGCTT-3'
Protein context (NP_001175.2, residues 813-833): MEDPDKDVRV[Ala823Gly]FSGNIKHILE

ClinVar aggregate classification (germline): Uncertain significance (1 of 4 stars; one submission).

Conditions:
Inborn genetic diseases. Identifiers: MedGen C0950123, MeSH D030342.

gnomAD v4.1: 2 of 1,613,440 alleles (0.00012%); highest among the groups gnomAD compares: East Asian, 0.0022%; no homozygotes.

Submission:

Ambry Genetics
Classification: Uncertain significance for Inborn genetic diseases. Last evaluated: 2024-09-12. Review status: criteria provided, single submitter. Criteria: Ambry Variant Classification Scheme 2023. Collection method: clinical testing. Allele origin: germline.
Comment: The p.A823G variant (also known as c.2468C>G), located in coding exon 11 of the ATR gene, results from a C to G substitution at nucleotide position 2468. The alanine at codon 823 is replaced by glycine, an amino acid with similar properties. This amino acid position is conserved. In addition, this alteration is predicted to be tolerated by in silico analysis. Based on the available evidence, the clinical significance of this variant remains unclear.